The following is an entry in ClinVar:

NM_004369.4(COL6A3):c.7784C>T (p.Pro2595Leu)

Gene: COL6A3 (collagen type VI alpha 3 chain; minus strand). Cytogenetic location: 2q37.3.
Variant type: single nucleotide variant.
Coding change: c.7784C>T on transcript NM_004369.4 (MANE Select); coding-DNA position 7784, C replaced by T.
Protein change: p.Pro2595Leu; replaces proline 2595 with leucine.
Molecular consequence: missense variant.
Genome position (GRCh38, 1-based): chr2:237,341,132, G>A on the plus strand (C>T on the coding strand, the complement: COL6A3 is on the minus strand). VCF-style: chr2-237341132-G-A. GRCh37 (hg19) VCF-style: chr2-238249775-G-A.
Other names: c.5963C>T, p.Pro1988Leu (NM_057166.5); c.7166C>T, p.Pro2389Leu (NM_057167.4); short protein forms P1988L, P2389L, P2595L.
Identifiers: ClinVar variation 3899573 (VCV003899573.1).

ClinVar aggregate classification (germline): Uncertain significance (1 of 4 stars; one submission).

Submission:

GeneDx
Classification: Uncertain significance. Last evaluated: 2024-11-08. Review status: criteria provided, single submitter. Criteria: GeneDx Variant Classification Process June 2021. Collection method: clinical testing. Allele origin: germline. Affected: yes.
Comment: Not observed at significant frequency in large population cohorts (gnomAD); In silico analysis supports that this missense variant has a deleterious effect on protein structure/function; Has not been previously published as pathogenic or benign to our knowledge